The following is an entry in ClinVar:

ClinVar aggregate classification (germline): Uncertain significance (1 of 4 stars; one submission).

Conditions:
Hereditary cancer-predisposing syndrome. Also called: Neoplastic Syndromes, Hereditary; Tumor predisposition; Hereditary neoplastic syndrome; Hereditary Cancer Syndrome. Identifiers: Orphanet 140162, MedGen C0027672, MeSH D009386, MONDO:0015356.

Submission:

Ambry Genetics
Classification: Uncertain significance for Hereditary cancer-predisposing syndrome. Last evaluated: 2023-10-13. Review status: criteria provided, single submitter. Criteria: Ambry Variant Classification Scheme 2023. Collection method: clinical testing. Allele origin: germline.
Comment: The p.G100D variant (also known as c.299G>A), located in coding exon 4 of the POT1 gene, results from a G to A substitution at nucleotide position 299. The glycine at codon 100 is replaced by aspartic acid, an amino acid with similar properties. This amino acid position is conserved. In addition, this alteration is predicted to be deleterious by in silico analysis. Since supporting evidence is limited at this time, the clinical significance of this alteration remains unclear.

NM_015450.3(POT1):c.299G>A (p.Gly100Asp)

Gene: POT1 (protection of telomeres 1; minus strand). Cytogenetic location: 7q31.33.
Variant type: single nucleotide variant.
Coding change: c.299G>A on transcript NM_015450.3 (MANE Select); coding-DNA position 299, G replaced by A.
Protein change: p.Gly100Asp; replaces glycine 100 with aspartic acid.
Molecular consequence: missense variant. On other transcripts: 5 prime UTR variant (1), non-coding transcript variant (3).
Genome position (GRCh38, 1-based): chr7:124,863,597, C>T on the plus strand (G>A on the coding strand, the complement: POT1 is on the minus strand). VCF-style: chr7-124863597-C-T. GRCh37 (hg19) VCF-style: chr7-124503651-C-T.
Other names: c.-95G>A (NM_001042594.2); short protein forms G100D.
Identifiers: ClinVar variation 3226673 (VCV003226673.1), dbSNP rs2485481343, ClinGen allele CA369060317.
Genomic context (GRCh38, chr7:124,863,597, plus strand): 5'-CTTGAAGTGCGAGGTATGATAGGGGCTCCCAAAGTTCCCTCAAACGTCAAAGATGCAAAG[C>T]CAGAGCTGGTGATACCCTGAGTCTCCTTTTTATATACTTGAATCTAAGAAAGTAGGGCAA-3'
Protein context (NP_056265.2, residues 90-110): KKETQGITSS[Gly100Asp]FASLTFEGTL